The following is an entry in ClinVar:

NM_005219.5(DIAPH1):c.1838C>T (p.Pro613Leu)

Gene: DIAPH1 (diaphanous related formin 1; minus strand). Cytogenetic location: 5q31.3.
Variant type: single nucleotide variant.
Coding change: c.1838C>T on transcript NM_005219.5 (MANE Select); coding-DNA position 1838, C replaced by T.
Protein change: p.Pro613Leu; replaces proline 613 with leucine.
Molecular consequence: missense variant.
Genome position (GRCh38, 1-based): chr5:141,574,012, G>A on the plus strand (C>T on the coding strand, the complement: DIAPH1 is on the minus strand). VCF-style: chr5-141574012-G-A. GRCh37 (hg19) VCF-style: chr5-140953579-G-A.
Other names: c.1811C>T, p.Pro604Leu (NM_001079812.3); c.1838C>T, p.Pro613Leu (NM_001314007.2); short protein forms P613L, P604L.
Identifiers: ClinVar variation 2176795 (VCV002176795.4), dbSNP rs753600371, ClinGen allele CA361520751.
Genomic context (GRCh38, chr5:141,574,012, plus strand): 5'-AAAGAAGGGGGTGAGGAGATGCAAACACCCCCAGGCAAAGGAGGTGGAGGAGGAGGAGGA[G>A]GAGGAGGAGGAGGAGGAGTGGTACTATCCCCAGGAGCAGGTGGTGGTGGAATAATAGTGC-3'
Protein context (NP_005210.3, residues 603-623): GDSTTPPPPP[Pro613Leu]PPPPPPPLPG

ClinVar aggregate classification (germline): Uncertain significance (1 of 4 stars; one submission).

Conditions:
Progressive microcephaly-seizures-cortical blindness-developmental delay syndrome. Also called: Seizures, cortical blindness, and microcephaly syndrome. Identifiers: Orphanet 477814, MedGen C5567650, MONDO:0014714, OMIM 616632.
Autosomal dominant nonsyndromic hearing loss 1. Also called: KONIGSMARK SYNDROME; DEAFNESS, AUTOSOMAL DOMINANT 1, WITH OR WITHOUT THROMBOCYTOPENIA. Identifiers: Orphanet 90635, MedGen C1852282, MONDO:0007424, OMIM 124900.

Allele frequency attached by ClinVar (database versions not stated): TOPMed below 0.00001.

Submission:

Labcorp Genetics (formerly Invitae), Labcorp
Classification: Uncertain significance for Progressive microcephaly-seizures-cortical blindness-developmental delay syndrome; Autosomal dominant nonsyndromic hearing loss 1. Last evaluated: 2022-08-08. Review status: criteria provided, single submitter. Criteria: Invitae Variant Classification Sherloc (09022015). Collection method: clinical testing. Allele origin: germline.
Comment: This variant has not been reported in the literature in individuals affected with DIAPH1-related conditions. This sequence change replaces proline, which is neutral and non-polar, with leucine, which is neutral and non-polar, at codon 613 of the DIAPH1 protein (p.Pro613Leu). This variant is not present in population databases (gnomAD no frequency). Algorithms developed to predict the effect of missense changes on protein structure and function output the following: SIFT: "Deleterious"; PolyPhen-2: "Not Available"; Align-GVGD: "Class C0". The leucine amino acid residue is found in multiple mammalian species, which suggests that this missense change does not adversely affect protein function. In summary, the available evidence is currently insufficient to determine the role of this variant in disease. Therefore, it has been classified as a Variant of Uncertain Significance.